The following is an entry in ClinVar:

NM_001130823.3(DNMT1):c.15C>T (p.Thr5=)

Genes: DNMT1 (DNA methyltransferase 1; minus strand), LOC130063472 (ATAC-STARR-seq lymphoblastoid silent region 10057; plus strand). Cytogenetic location: 19p13.2.
Variant type: single nucleotide variant.
Coding change: c.15C>T on transcript NM_001130823.3 (MANE Select); coding-DNA position 15, C replaced by T.
Protein change: p.Thr5=; no amino-acid change (threonine 5 retained).
Molecular consequence: synonymous variant. On other transcripts: 5 prime UTR variant (1).
Genome position (GRCh38, 1-based): chr19:10,194,885, G>A on the plus strand (C>T on the coding strand, the complement: DNMT1 is on the minus strand). VCF-style: chr19-10194885-G-A. GRCh37 (hg19) VCF-style: chr19-10305561-G-A.
Other names: c.15C>T, p.Thr5= (NM_001318730.2, NM_001379.4); c.-309C>T (NM_001318731.2).
Identifiers: ClinVar variation 3622805 (VCV003622805.10).

ClinVar aggregate classification (germline): Likely benign. Review status: criteria provided, multiple submitters, no conflicts (2 of 4 stars). 2 submissions from 2 submitters: Likely benign (2). Last evaluated 2025-07-01.

Conditions:
Hereditary sensory neuropathy-deafness-dementia syndrome. Also called: Hereditary sensory neuropathy type IE; HSN IE; NEUROPATHY, HEREDITARY SENSORY, WITH HEARING LOSS AND DEMENTIA; Hereditary Sensory and Autonomic Neuropathy Type 1E (HSAN1E). Identifiers: Orphanet 456318, MedGen C3279885, MONDO:0013584, OMIM 614116.

gnomAD v4.1: 8 of 1,609,324 alleles (0.0005%); highest among the groups gnomAD compares: Middle Eastern, 0.016%; no homozygotes.

Submissions (2):

CeGaT Center for Human Genetics Tuebingen
Classification: Likely benign. Last evaluated: 2025-07-01. Review status: criteria provided, single submitter. Criteria: CeGaT Center For Human Genetics Tuebingen Variant Classification Criteria Version 2. Collection method: clinical testing. Allele origin: germline. Affected: yes. Observed: 1 variant allele.
Comment: DNMT1: BP4, BP7

Labcorp Genetics (formerly Invitae), Labcorp
Classification: Likely benign for Hereditary sensory neuropathy-deafness-dementia syndrome. Last evaluated: 2024-10-15. Review status: criteria provided, single submitter. Criteria: Invitae Variant Classification Sherloc (09022015). Collection method: clinical testing. Allele origin: germline.